The following is an entry in ClinVar:

ClinVar aggregate classification (germline): Pathogenic (1 of 4 stars; one submission).

Conditions:
Polycystic kidney disease, adult type (PKD1). Also called: POLYCYSTIC KIDNEY DISEASE 1 WITH OR WITHOUT POLYCYSTIC LIVER DISEASE; Polycystic Kidney Disease 1, Autosomal Dominant; Polycystic kidney disease 1; Polycystic kidney disease 1, severe; Polycystic Kidney, Autosomal Dominant; POLYCYSTIC KIDNEY DISEASE, ADULT, TYPE I. Identifiers: MedGen C3149841, MONDO:0008263, OMIM 173900.

Submission:

Cavalleri Lab, Royal College of Surgeons in Ireland
Classification: Pathogenic for Polycystic kidney disease, adult type. Last evaluated: 2020-02-05. Review status: criteria provided, single submitter. Criteria: ACMG Guidelines, 2015. Collection method: research. Allele origin: unknown. Inheritance: Autosomal dominant inheritance. Affected: yes.
Comment: PVS1, PM2, PP4

NM_001009944.3(PKD1):c.7369G>T (p.Glu2457Ter)

Gene: PKD1 (polycystin 1, transient receptor potential channel interacting; minus strand). Cytogenetic location: 16p13.3.
Variant type: single nucleotide variant.
Coding change: c.7369G>T on transcript NM_001009944.3 (MANE Select); coding-DNA position 7369, G replaced by T.
Protein change: p.Glu2457Ter; replaces glutamic acid 2457 with a stop codon.
Molecular consequence: nonsense.
Genome position (GRCh38, 1-based): chr16:2,106,518, C>A on the plus strand (G>T on the coding strand, the complement: PKD1 is on the minus strand). VCF-style: chr16-2106518-C-A. GRCh37 (hg19) VCF-style: chr16-2156519-C-A.
Other names: c.7369G>T, p.Glu2457Ter (NM_000296.4); short protein forms E2457*.
Identifiers: ClinVar variation 873366 (VCV000873366.1), dbSNP rs2092341848, ClinGen allele CA394369982.